The following is an entry in ClinVar:

ClinVar aggregate classification (germline): Uncertain significance (1 of 4 stars; one submission).

gnomAD v4.1: 1 of 1,426,446 alleles (0.00007%); highest among the groups gnomAD compares: Non-Finnish European, 0.000092%; no homozygotes.

Submission:

GeneDx
Classification: Uncertain significance. Last evaluated: 2024-10-17. Review status: criteria provided, single submitter. Criteria: GeneDx Variant Classification Process June 2021. Collection method: clinical testing. Allele origin: germline. Affected: yes.
Comment: Not observed at significant frequency in large population cohorts (gnomAD); In silico analysis indicates that this missense variant does not alter protein structure/function; Has not been previously published as pathogenic or benign to our knowledge

NM_000474.4(TWIST1):c.83A>C (p.Gln28Pro)

Gene: TWIST1 (twist family bHLH transcription factor 1; minus strand). Cytogenetic location: 7p21.1.
Variant type: single nucleotide variant.
Coding change: c.83A>C on transcript NM_000474.4 (MANE Select); coding-DNA position 83, A replaced by C.
Protein change: p.Gln28Pro; replaces glutamine 28 with proline.
Molecular consequence: missense variant. On other transcripts: non-coding transcript variant (1).
Genome position (GRCh38, 1-based): chr7:19,117,239, T>G on the plus strand (A>C on the coding strand, the complement: TWIST1 is on the minus strand). VCF-style: chr7-19117239-T-G. GRCh37 (hg19) VCF-style: chr7-19156862-T-G.
Other names: short protein forms Q28P.
Identifiers: ClinVar variation 3781156 (VCV003781156.1).
Genomic context (GRCh38, chr7:19,117,239, plus strand): 5'-CCGCCCGCGCTGCGCCTGCTGCTGCGCCGCTTGCGTCCCCCGCGCTTGCCGCTCGGCGGC[T>G]GCTGCCGGTCTGGCTCTTCCTCGCTGTTGCTCAGGCTGTCGTCGGCCGGCGAGACTGGCG-3'
Protein context (NP_000465.1, residues 18-38): SNSEEEPDRQ[Gln28Pro]PPSGKRGGRK